The following is an entry in ClinVar:

ClinVar aggregate classification (germline): Uncertain significance (1 of 4 stars; one submission).

Conditions:
Epileptic encephalopathy. Identifiers: MedGen C0543888, HP:0200134.

Allele frequency attached by ClinVar (database versions not stated): gnomAD 0.00006 and 0.00005; gnomAD exomes 0.00002 and 0.00003; TOPMed 0.00003.
gnomAD v4.1: 50 of 1,594,710 alleles (0.0031%); highest among the groups gnomAD compares: African/African-American, 0.013%; no homozygotes.

Submission:

Labcorp Genetics (formerly Invitae), Labcorp
Classification: Uncertain significance for Epileptic encephalopathy. Last evaluated: 2025-05-22. Review status: criteria provided, single submitter. Criteria: Invitae Variant Classification Sherloc (09022015). Collection method: clinical testing. Allele origin: germline.
Comment: This sequence change replaces glutamine, which is neutral and polar, with arginine, which is basic and polar, at codon 2188 of the FASN protein (p.Gln2188Arg). The frequency data for this variant in the population databases is considered unreliable, as metrics indicate poor data quality at this position in the gnomAD database. This variant has not been reported in the literature in individuals affected with FASN-related conditions. ClinVar contains an entry for this variant (Variation ID: 581409). An algorithm developed to predict the effect of missense changes on protein structure and function (PolyPhen-2) suggests that this variant is likely to be tolerated. In summary, the available evidence is currently insufficient to determine the role of this variant in disease. Therefore, it has been classified as a Variant of Uncertain Significance.

NM_004104.5(FASN):c.6563A>G (p.Gln2188Arg)

Gene: FASN (fatty acid synthase; minus strand). Cytogenetic location: 17q25.3.
Variant type: single nucleotide variant.
Coding change: c.6563A>G on transcript NM_004104.5 (MANE Select); coding-DNA position 6563, A replaced by G.
Protein change: p.Gln2188Arg; replaces glutamine 2188 with arginine.
Molecular consequence: missense variant.
Genome position (GRCh38, 1-based): chr17:82,081,196, T>C on the plus strand (A>G on the coding strand, the complement: FASN is on the minus strand). VCF-style: chr17-82081196-T-C. GRCh37 (hg19) VCF-style: chr17-80039072-T-C.
Other names: short protein forms Q2188R.
Identifiers: ClinVar variation 581409 (VCV000581409.10), dbSNP rs1057344564, ClinGen allele CA295203340.